The following is an entry in ClinVar:

ClinVar aggregate classification (germline): Uncertain significance. Review status: criteria provided, single submitter (1 of 4 stars). 2 submissions from 2 submitters: Uncertain significance (1). 1 of the submissions does not count toward it. Last evaluated 2024-11-15.

Conditions:
Niemann-Pick disease, type C1. Also called: NEUROVISCERAL STORAGE DISEASE WITH VERTICAL SUPRANUCLEAR OPHTHALMOPLEGIA; NIEMANN-PICK DISEASE WITH CHOLESTEROL ESTERIFICATION BLOCK; NIEMANN-PICK DISEASE WITHOUT SPHINGOMYELINASE DEFICIENCY; NIEMANN-PICK DISEASE, CHRONIC NEURONOPATHIC FORM; NIEMANN-PICK DISEASE, VARIANT TYPE C1. Identifiers: Orphanet 646, MedGen C3179455, MONDO:0009757, OMIM 257220.

Submissions (2):

Women's Health and Genetics/Laboratory Corporation of America, LabCorp
Classification: Uncertain significance. Last evaluated: 2024-11-15. Review status: criteria provided, single submitter. Criteria: LabCorp Variant Classification Summary - May 2015. Collection method: clinical testing. Allele origin: germline.
Comment: Variant summary: NPC1 c.1162G>C (p.Ala388Pro) results in a non-conservative amino acid change in the encoded protein sequence. Five of five in-silico tools predict a damaging effect of the variant on protein function. The variant was absent in 251218 control chromosomes. The available data on variant occurrences in the general population are insufficient to allow any conclusion about variant significance. c.1162G>C has been reported in the literature in an unknown state in at least 1 individual affected with Niemann-Pick Disease (example, Park_2003). These report(s) do not provide unequivocal conclusions about association of the variant with Niemann-Pick Disease Type C. To our knowledge, no experimental evidence demonstrating an impact on protein function has been reported. The following publication has been ascertained in the context of this evaluation (PMID: 12955717). ClinVar contains an entry for this variant (Variation ID: 553090). Based on the evidence outlined above, the variant was classified as uncertain significance.

Counsyl
Classification: Uncertain significance for Niemann-Pick disease, type C1. Last evaluated: 2017-08-02. Review status: no assertion criteria provided. Collection method: clinical testing. Allele origin: unknown. Not counted in ClinVar's aggregate classification.

Literature cited by the submitters: PubMed 12955717 (cited by Women's Health and Genetics/Laboratory Corporation of America, LabCorp and Counsyl).

NM_000271.5(NPC1):c.1162G>C (p.Ala388Pro)

Gene: NPC1 (NPC intracellular cholesterol transporter 1; minus strand). Cytogenetic location: 18q11.2.
Variant type: single nucleotide variant.
Coding change: c.1162G>C on transcript NM_000271.5 (MANE Select); coding-DNA position 1162, G replaced by C.
Protein change: p.Ala388Pro; replaces alanine 388 with proline.
Molecular consequence: missense variant.
Genome position (GRCh38, 1-based): chr18:23,556,407, C>G on the plus strand (G>C on the coding strand, the complement: NPC1 is on the minus strand). VCF-style: chr18-23556407-C-G. GRCh37 (hg19) VCF-style: chr18-21136371-C-G.
Other names: short protein forms A388P.
Identifiers: ClinVar variation 553090 (VCV000553090.3), dbSNP rs1555637157, ClinGen allele CA401777967.